The following is an entry in ClinVar:

NM_016628.5(WAC):c.1820dup (p.Asn607fs)

Gene: WAC (WW domain containing adaptor with coiled-coil; plus strand). Cytogenetic location: 10p12.1.
Variant type: Duplication.
Coding change: c.1820dup on transcript NM_016628.5 (MANE Select); coding-DNA position 1820, one base duplicated (A; older notation c.1820dupA).
Protein change: p.Asn607fs; shifts the reading frame from asparagine 607.
Molecular consequence: frameshift variant.
Genome position (GRCh38, 1-based): chr10:28,617,730, A duplicated; the last of 6 consecutive A bases (chr10:28,617,725-28,617,730); duplicating any one gives the same sequence. VCF-style (leftmost placement, unchanged base first): chr10-28617724-T-TA. GRCh37 (hg19) VCF-style: chr10-28906653-T-TA.
Other names: c.1685dup, p.Asn562fs (NM_100264.3); c.1511dup, p.Asn504fs (NM_100486.4); short protein forms N504fs, N607fs, N562fs.
Identifiers: ClinVar variation 280338 (VCV000280338.2), dbSNP rs886041564, ClinGen allele CA10603138.

ClinVar aggregate classification (germline): Pathogenic (1 of 4 stars; one submission).

Submission:

GeneDx
Classification: Pathogenic. Last evaluated: 2017-10-03. Review status: criteria provided, single submitter. Criteria: GeneDx Variant Classification (06012015). Collection method: clinical testing. Allele origin: germline. Affected: yes.
Comment: The N607KfsX10 pathogenic variant in the WAC gene has not been reported previously as a pathogenic variant nor as a benign variant, to our knowledge. The N607KfsX10 variant causes a frameshift starting with codon Asparagine 607, changes this amino acid to a Lysine residue, and creates a premature Stop codon at position 10 of the new reading frame, denoted p.Asn607LysfsX10. This variant is predicted to cause loss of normal protein function through protein truncation. The N607KfsX10 variant was not observed in approximately 6500 individuals of European and African American ancestry in the NHLBI Exome Sequencing Project, indicating it is not a common benign variant in these populations. We interpret N607KfsX10 as a pathogenic variant.